The following is an entry in ClinVar:

ClinVar aggregate classification (germline): Likely pathogenic. Review status: criteria provided, multiple submitters, no conflicts (2 of 4 stars). 2 submissions from 2 submitters: Likely pathogenic (2). Last evaluated 2025-08-29.

Conditions:
Hypophosphatasia. Also called: Phosphoethanol-aminuria. Identifiers: Orphanet 436, MedGen C0020630, MeSH D007014, MONDO:0018570.

Submissions (2):

Genomenon, Inc
Classification: Likely pathogenic for Hypophosphatasia. Last evaluated: 2025-08-29. Review status: criteria provided, single submitter. Criteria: Genomenon Sequence Variant Interpretation Standards. Collection method: curation. Allele origin: germline. Affected: yes.
Comment: ALPL c.1366G>T is a missense variant that changes the amino acid at residue 456 from Glycine to Tryptophan. This variant has been observed in at least one proband affected with hypophosphatasia (PMID:19500388). At least one functional study has demonstrated a substantial alteration in protein function relative to the wild-type (PMID:19500388). It is absent or not present at a significant frequency in gnomAD. In silico models agree that this variant is possibly or probably damaging. In conclusion, we classify ALPL p.Gly456Trp (c.1366G>T) as a likely pathogenic variant.

Labcorp Genetics (formerly Invitae), Labcorp
Classification: Likely pathogenic. Last evaluated: 2025-04-23. Review status: criteria provided, single submitter. Criteria: Invitae Variant Classification Sherloc (09022015). Collection method: clinical testing. Allele origin: germline.
Comment: This sequence change replaces glycine, which is neutral and non-polar, with tryptophan, which is neutral and slightly polar, at codon 456 of the ALPL protein (p.Gly456Trp). This variant is not present in population databases (gnomAD no frequency). This missense change has been observed in individual(s) with autosomal dominant hypophosphatasia (PMID: 19500388). ClinVar contains an entry for this variant (Variation ID: 3720179). Invitae Evidence Modeling of protein sequence and biophysical properties (such as structural, functional, and spatial information, amino acid conservation, physicochemical variation, residue mobility, and thermodynamic stability) indicates that this missense variant is expected to disrupt ALPL protein function with a positive predictive value of 95%. Experimental studies have shown that this missense change affects ALPL function (PMID: 19500388). This variant disrupts the p.Gly456 amino acid residue in ALPL. Other variant(s) that disrupt this residue have been determined to be pathogenic (PMID: 8954059, 19500388, 31641588). This suggests that this residue is clinically significant, and that variants that disrupt this residue are likely to be disease-causing. In summary, the currently available evidence indicates that the variant is pathogenic, but additional data are needed to prove that conclusively. Therefore, this variant has been classified as Likely Pathogenic.

Literature cited by the submitters: PubMed 19500388 (cited by Genomenon, Inc and Labcorp Genetics (formerly Invitae), Labcorp); PubMed 8954059 (cited by Labcorp Genetics (formerly Invitae), Labcorp); PubMed 31641588 (cited by Labcorp Genetics (formerly Invitae), Labcorp).

NM_000478.6(ALPL):c.1366G>T (p.Gly456Trp)

Gene: ALPL (alkaline phosphatase, biomineralization associated; plus strand). Cytogenetic location: 1p36.12.
Variant type: single nucleotide variant.
Coding change: c.1366G>T on transcript NM_000478.6 (MANE Select); coding-DNA position 1366, G replaced by T.
Protein change: p.Gly456Trp; replaces glycine 456 with tryptophan.
Molecular consequence: missense variant.
Genome position (GRCh38, 1-based): chr1:21,577,439, G>T. VCF-style: chr1-21577439-G-T. GRCh37 (hg19) VCF-style: chr1-21903932-G-T.
Other names: c.1201G>T, p.Gly401Trp (NM_001127501.4); c.1135G>T, p.Gly379Trp (NM_001177520.3); c.1366G>T, p.Gly456Trp (NM_001369803.2, NM_001369804.2, NM_001369805.2); short protein forms G456W, G401W, G379W.
Identifiers: ClinVar variation 3720179 (VCV003720179.3).